The following is an entry in ClinVar:

NM_001077350.3(NPRL3):c.1567C>A (p.Arg523Ser)

Gene: NPRL3 (NPR3 like, GATOR1 complex subunit; minus strand). Cytogenetic location: 16p13.3.
Variant type: single nucleotide variant.
Coding change: c.1567C>A on transcript NM_001077350.3 (MANE Select); coding-DNA position 1567, C replaced by A.
Protein change: p.Arg523Ser; replaces arginine 523 with serine.
Molecular consequence: missense variant.
Genome position (GRCh38, 1-based): chr16:86,848, G>T on the plus strand (C>A on the coding strand, the complement: NPRL3 is on the minus strand). VCF-style: chr16-86848-G-T. GRCh37 (hg19) VCF-style: chr16-136847-G-T.
Other names: c.1030C>A, p.Arg344Ser (NM_001039476.3); c.1333C>A, p.Arg445Ser (NM_001243247.2); c.1492C>A, p.Arg498Ser (NM_001243248.2, NM_001243249.2); short protein forms R523S, R498S, R344S, R445S.
Identifiers: ClinVar variation 1397088 (VCV001397088.6), dbSNP rs189283988, ClinGen allele CA394045601.

ClinVar aggregate classification (germline): Uncertain significance (1 of 4 stars; one submission).

Conditions:
Epilepsy, familial focal, with variable foci 3 (FFEVF3). Identifiers: MedGen C4310708, MONDO:0014925, OMIM 617118.

gnomAD v4.1: 1 of 1,613,232 alleles (0.000062%); highest among the groups gnomAD compares: Non-Finnish European, 0.000085%; no homozygotes.

Submission:

Labcorp Genetics (formerly Invitae), Labcorp
Classification: Uncertain significance for Epilepsy, familial focal, with variable foci 3. Last evaluated: 2024-08-31. Review status: criteria provided, single submitter. Criteria: Invitae Variant Classification Sherloc (09022015). Collection method: clinical testing. Allele origin: germline.
Comment: This sequence change replaces arginine, which is basic and polar, with serine, which is neutral and polar, at codon 523 of the NPRL3 protein (p.Arg523Ser). This variant is not present in population databases (gnomAD no frequency). This variant has not been reported in the literature in individuals affected with NPRL3-related conditions. ClinVar contains an entry for this variant (Variation ID: 1397088). Invitae Evidence Modeling of protein sequence and biophysical properties (such as structural, functional, and spatial information, amino acid conservation, physicochemical variation, residue mobility, and thermodynamic stability) indicates that this missense variant is not expected to disrupt NPRL3 protein function with a negative predictive value of 80%. In summary, the available evidence is currently insufficient to determine the role of this variant in disease. Therefore, it has been classified as a Variant of Uncertain Significance.